The following is an entry in ClinVar:

NM_000051.4(ATM):c.9125C>T (p.Pro3042Leu)

Genes: ATM (ATM serine/threonine kinase; plus strand), C11orf65 (chromosome 11 open reading frame 65; minus strand). Cytogenetic location: 11q22.3.
Variant type: single nucleotide variant.
Coding change: c.9125C>T on transcript NM_000051.4 (MANE Select); coding-DNA position 9125, C replaced by T.
Protein change: p.Pro3042Leu; replaces proline 3042 with leucine.
Molecular consequence: missense variant. On other transcripts: intron variant (2).
Genome position (GRCh38, 1-based): chr11:108,365,462, C>T. VCF-style: chr11-108365462-C-T. GRCh37 (hg19) VCF-style: chr11-108236189-C-T.
Other names: c.9125C>T, p.Pro3042Leu (NM_001351834.2); c.640+20458G>A (NM_001330368.2); c.694+20458G>A (NM_001351110.2); short protein forms P3042L.
Identifiers: ClinVar variation 1063207 (VCV001063207.9), dbSNP rs2137925225, ClinGen allele CA382532051.

ClinVar aggregate classification (germline): Uncertain significance (1 of 4 stars; one submission).

Conditions:
Ataxia-telangiectasia syndrome (AT). Also called: Ataxia telangiectasia (A-T); ATAXIA-TELANGIECTASIA, COMPLEMENTATION GROUP A; ATAXIA-TELANGIECTASIA, FRESNO VARIANT; Ataxia-telangiectasia; Ataxia-telangiectasia, complementation group E; LOUIS-BAR SYNDROME. Identifiers: Orphanet 100, MedGen C0004135, MONDO:0008840, OMIM 208900.

Submission:

Labcorp Genetics (formerly Invitae), Labcorp
Classification: Uncertain significance for Ataxia-telangiectasia syndrome. Last evaluated: 2024-09-27. Review status: criteria provided, single submitter. Criteria: Invitae Variant Classification Sherloc (09022015). Collection method: clinical testing. Allele origin: germline.
Comment: This sequence change replaces proline, which is neutral and non-polar, with leucine, which is neutral and non-polar, at codon 3042 of the ATM protein (p.Pro3042Leu). This variant is not present in population databases (gnomAD no frequency). This variant has not been reported in the literature in individuals affected with ATM-related conditions. ClinVar contains an entry for this variant (Variation ID: 1063207). An algorithm developed to predict the effect of missense changes on protein structure and function (PolyPhen-2) suggests that this variant is likely to be disruptive. In summary, the available evidence is currently insufficient to determine the role of this variant in disease. Therefore, it has been classified as a Variant of Uncertain Significance.